The following is an entry in ClinVar:

ClinVar aggregate classification (germline): Uncertain significance (1 of 4 stars; one submission).

Conditions:
DICER1-related tumor predisposition. Also called: DICER1 syndrome; DICER1-related pleuropulmonary blastoma cancer predisposition syndrome. Identifiers: Orphanet 284343, MedGen C3839822, MONDO:0100216.

Submission:

Labcorp Genetics (formerly Invitae), Labcorp
Classification: Uncertain significance for DICER1-related tumor predisposition. Last evaluated: 2022-07-08. Review status: criteria provided, single submitter. Criteria: Invitae Variant Classification Sherloc (09022015). Collection method: clinical testing. Allele origin: germline.
Comment: In summary, the available evidence is currently insufficient to determine the role of this variant in disease. Therefore, it has been classified as a Variant of Uncertain Significance. Algorithms developed to predict the effect of sequence changes on RNA splicing suggest that this variant may create or strengthen a splice site. This variant has not been reported in the literature in individuals affected with DICER1-related conditions. This variant is not present in population databases (gnomAD no frequency). This sequence change falls in intron 25 of the DICER1 gene. It does not directly change the encoded amino acid sequence of the DICER1 protein.

NM_177438.3(DICER1):c.5528-20T>G

Gene: DICER1 (dicer 1, ribonuclease III; minus strand). Cytogenetic location: 14q32.13.
Variant type: single nucleotide variant.
Coding change: c.5528-20T>G on transcript NM_177438.3 (MANE Select); 20 bases into the intron before coding-DNA position 5528, T replaced by G.
Molecular consequence: intron variant.
Genome position (GRCh38, 1-based): chr14:95,091,129, A>C on the plus strand (T>G on the coding strand, the complement: DICER1 is on the minus strand). VCF-style: chr14-95091129-A-C. GRCh37 (hg19) VCF-style: chr14-95557466-A-C.
Other names: c.5528-20T>G (NM_001291628.2, NM_030621.4, NM_001395677.1 and 7 more transcripts); c.5123-20T>G (NM_001395690.1, NM_001395687.1, NM_001395689.1 and 1 more transcripts); c.5246-20T>G (NM_001395686.1); c.4961-20T>G (NM_001395691.1); c.3845-20T>G (NM_001395697.1); c.5365-20T>G (NM_001195573.1).
Identifiers: ClinVar variation 2014958 (VCV002014958.4), dbSNP rs2139773944, ClinGen allele CA2580088984.
Genomic context (GRCh38, chr14:95,091,129, plus strand): 5'-TTCTCGCACAGGGGAACGGGGTACATTTGCAGAAAACTTTTCTGCAATCAAAATGAAAGA[A>C]TAATATGAATAATATCTCTGAAGTTGTTTTTAATTTTGTGGGTTTTTTTCTTTCTAAAGG-3'